The following is an entry in ClinVar:

ClinVar aggregate classification (germline): Uncertain significance (1 of 4 stars; one submission).

gnomAD v4.1: 1 of 1,612,028 alleles (0.000062%); highest among the groups gnomAD compares: Admixed American, 0.0017%; no homozygotes.

Submission:

Labcorp Genetics (formerly Invitae), Labcorp
Classification: Uncertain significance. Last evaluated: 2024-07-29. Review status: criteria provided, single submitter. Criteria: Invitae Variant Classification Sherloc (09022015). Collection method: clinical testing. Allele origin: germline.
Comment: This sequence change replaces aspartic acid, which is acidic and polar, with glutamic acid, which is acidic and polar, at codon 475 of the KMT2A protein (p.Asp475Glu). This variant is present in population databases (no rsID available, gnomAD 0.003%). This variant has not been reported in the literature in individuals affected with KMT2A-related conditions. Advanced modeling of protein sequence and biophysical properties (such as structural, functional, and spatial information, amino acid conservation, physicochemical variation, residue mobility, and thermodynamic stability) performed at Invitae indicates that this missense variant is not expected to disrupt KMT2A protein function with a negative predictive value of 95%. In summary, the available evidence is currently insufficient to determine the role of this variant in disease. Therefore, it has been classified as a Variant of Uncertain Significance.

NM_001197104.2(KMT2A):c.1425C>A (p.Asp475Glu)

Gene: KMT2A (lysine methyltransferase 2A; plus strand). Cytogenetic location: 11q23.3.
Variant type: single nucleotide variant.
Coding change: c.1425C>A on transcript NM_001197104.2 (MANE Select); coding-DNA position 1425, C replaced by A.
Protein change: p.Asp475Glu; replaces aspartic acid 475 with glutamic acid.
Molecular consequence: missense variant.
Genome position (GRCh38, 1-based): chr11:118,472,584, C>A. VCF-style: chr11-118472584-C-A. GRCh37 (hg19) VCF-style: chr11-118343299-C-A.
Other names: c.1524C>A, p.Asp508Glu (NM_001412597.1); c.1425C>A, p.Asp475Glu (NM_005933.4); short protein forms D508E, D475E.
Identifiers: ClinVar variation 3693798 (VCV003693798.2).